The following is an entry in ClinVar:

ClinVar aggregate classification (germline): Pathogenic (1 of 4 stars; one submission).

Conditions:
Primary immunodeficiency with post-measles-mumps-rubella vaccine viral infection. Also called: Immunodeficiency 44. Identifiers: Orphanet 431166, MedGen C4225260, MONDO:0014715, OMIM 616636.

Submission:

Labcorp Genetics (formerly Invitae), Labcorp
Classification: Pathogenic for Primary immunodeficiency with post-measles-mumps-rubella vaccine viral infection. Last evaluated: 2023-01-24. Review status: criteria provided, single submitter. Criteria: Invitae Variant Classification Sherloc (09022015). Collection method: clinical testing. Allele origin: germline.
Comment: This sequence change creates a premature translational stop signal (p.Gln394*) in the STAT2 gene. It is expected to result in an absent or disrupted protein product. Loss-of-function variants in STAT2 are known to be pathogenic (PMID: 23391734, 26122121). This variant is not present in population databases (gnomAD no frequency). This variant has not been reported in the literature in individuals affected with STAT2-related conditions. Algorithms developed to predict the effect of sequence changes on RNA splicing suggest that this variant may disrupt the consensus splice site. For these reasons, this variant has been classified as Pathogenic.

Literature cited by the submitters: PubMed 23391734; PubMed 26122121.

NM_005419.4(STAT2):c.1180C>T (p.Gln394Ter)

Gene: STAT2 (signal transducer and activator of transcription 2; minus strand). Cytogenetic location: 12q13.3.
Variant type: single nucleotide variant.
Coding change: c.1180C>T on transcript NM_005419.4 (MANE Select); coding-DNA position 1180, C replaced by T.
Protein change: p.Gln394Ter; replaces glutamine 394 with a stop codon.
Molecular consequence: nonsense.
Genome position (GRCh38, 1-based): chr12:56,350,126, G>A on the plus strand (C>T on the coding strand, the complement: STAT2 is on the minus strand). VCF-style: chr12-56350126-G-A. GRCh37 (hg19) VCF-style: chr12-56743910-G-A.
Other names: c.1147C>T, p.Gln383Ter (NM_001385110.1); c.1180C>T, p.Gln394Ter (NM_001385111.1, NM_001385113.1); c.1159C>T, p.Gln387Ter (NM_001385114.1); c.1168C>T, p.Gln390Ter (NM_001385115.1, NM_198332.2); short protein forms Q383*, Q387*, Q390*, Q394*.
Identifiers: ClinVar variation 2831685 (VCV002831685.3), dbSNP rs2547253187, ClinGen allele CA385261608.
Genomic context (GRCh38, chr12:56,350,126, plus strand): 5'-AATAAAAGCATAGGTCACAAACTATTCTTACCAGGTAACCAAAGTCCCAAATCAAACCCT[G>A]ACTCTGCCCCTTCTCGGGGGTCAAAGTTTTCTGGTTTGAAGTCAGAATGTTGAACTTCCG-3'